The following is an entry in ClinVar:

ClinVar aggregate classification (germline): Pathogenic (1 of 4 stars; one submission).

Conditions:
Familial intrahepatic cholestasis. Identifiers: Orphanet 284385, MedGen CN296401, MONDO:0017290.

gnomAD v4.1: 3 of 1,613,060 alleles (0.00019%); highest among the groups gnomAD compares: Non-Finnish European, 0.00025%; no homozygotes.

Submission:

Genomenon, Inc
Classification: Pathogenic for Familial intrahepatic cholestasis. Last evaluated: 2026-04-14. Review status: criteria provided, single submitter. Criteria: Genomenon Sequence Variant Interpretation Standards - Updated. Collection method: curation. Allele origin: germline. Affected: yes.
Comment: ATP8B1 c.3400+2T>A is a canonical splice variant affecting the donor splice site of intron 26. This variant has been observed in at least one proband with features of ATP8B1-deficiency (PMID:15239083). At least one splicing study demonstrated this variant results in aberrant splicing (PMID:25421123). It is absent or not present at a significant frequency in gnomAD. In conclusion, we classify ATP8B1 c.3400+2T>A as a pathogenic variant.

Literature cited by the submitters: PubMed 15239083; PubMed 25421123.

NM_001374385.1(ATP8B1):c.3400+2T>A

Genes: ATP8B1-AS1 (ATP8B1 antisense RNA 1; plus strand), ATP8B1 (ATPase phospholipid transporting 8B1; minus strand). Cytogenetic location: 18q21.31.
Variant type: single nucleotide variant.
Coding change: c.3400+2T>A on transcript NM_001374385.1 (MANE Select); the canonical splice donor site of the intron after coding-DNA position 3400, T replaced by A.
Molecular consequence: splice donor variant.
Genome position (GRCh38, 1-based): chr18:57,652,032, A>T on the plus strand (T>A on the coding strand, the complement: ATP8B1 is on the minus strand). VCF-style: chr18-57652032-A-T. GRCh37 (hg19) VCF-style: chr18-55319264-A-T.
Other names: c.3400+2T>A (NM_005603.6); c.3250+2T>A (NM_001374386.1).
Identifiers: ClinVar variation 4846402 (VCV004846402.1).